The following is an entry in ClinVar:

NM_001942.4(DSG1):c.560C>T (p.Pro187Leu)

Gene: DSG1 (desmoglein 1; plus strand). Cytogenetic location: 18q12.1.
Variant type: single nucleotide variant.
Coding change: c.560C>T on transcript NM_001942.4 (MANE Select); coding-DNA position 560, C replaced by T.
Protein change: p.Pro187Leu; replaces proline 187 with leucine.
Molecular consequence: missense variant.
Genome position (GRCh38, 1-based): chr18:31,331,743, C>T. VCF-style: chr18-31331743-C-T. GRCh37 (hg19) VCF-style: chr18-28911706-C-T.
Other names: short protein forms P187L.
Identifiers: ClinVar variation 1524483 (VCV001524483.6), dbSNP rs139643428, ClinGen allele CA8925879.

ClinVar aggregate classification (germline): Uncertain significance (1 of 4 stars; one submission).

Allele frequency attached by ClinVar (database versions not stated): gnomAD exomes 0.00005; ExAC 0.00010; gnomAD 0.00011 and 0.00014; TOPMed 0.00014; ESP Exome Variant Server 0.00031.

Submission:

Labcorp Genetics (formerly Invitae), Labcorp
Classification: Uncertain significance. Last evaluated: 2025-04-29. Review status: criteria provided, single submitter. Criteria: Invitae Variant Classification Sherloc (09022015). Collection method: clinical testing. Allele origin: germline.
Comment: This sequence change replaces proline, which is neutral and non-polar, with leucine, which is neutral and non-polar, at codon 187 of the DSG1 protein (p.Pro187Leu). This variant is present in population databases (rs139643428, gnomAD 0.05%). This variant has not been reported in the literature in individuals affected with DSG1-related conditions. ClinVar contains an entry for this variant (Variation ID: 1524483). Invitae Evidence Modeling of protein sequence and biophysical properties (such as structural, functional, and spatial information, amino acid conservation, physicochemical variation, residue mobility, and thermodynamic stability) indicates that this missense variant is not expected to disrupt DSG1 protein function with a negative predictive value of 80%. In summary, the available evidence is currently insufficient to determine the role of this variant in disease. Therefore, it has been classified as a Variant of Uncertain Significance.